The following is an entry in ClinVar:

NM_018417.6(ADCY10):c.461T>A (p.Met154Lys)

Genes: ADCY10 (adenylate cyclase 10; minus strand), DCAF6 (DDB1 and CUL4 associated factor 6; plus strand). Cytogenetic location: 1q24.2.
Variant type: single nucleotide variant.
Coding change: c.461T>A on transcript NM_018417.6 (MANE Select); coding-DNA position 461, T replaced by A.
Protein change: p.Met154Lys; replaces methionine 154 with lysine.
Molecular consequence: missense variant. On other transcripts: initiator codon variant (1).
Genome position (GRCh38, 1-based): chr1:167,899,604, A>T on the plus strand (T>A on the coding strand, the complement: ADCY10 is on the minus strand). VCF-style: chr1-167899604-A-T. GRCh37 (hg19) VCF-style: chr1-167868842-A-T.
Other names: c.2T>A, p.Met1Lys (NM_001167749.3); c.185T>A, p.Met62Lys (NM_001297772.2); short protein forms M154K, M1K, M62K.
Identifiers: ClinVar variation 934358 (VCV000934358.3), dbSNP rs771448841, ClinGen allele CA1228262.
Genomic context (GRCh38, chr1:167,899,604, plus strand): 5'-TCGTCCACTGCCTGACCAATCACCAGAAAGTGGCTGTGTGTTTCATCTCCAAAGACCAAC[A>T]TGCTGATGTGGCCAGCAGCCAGTCCTGGCAAGAAGGCAAGGAATAGGTTTGCACAAGAAG-3'
Protein context (NP_060887.2, residues 144-164): KIGLAAGHIS[Met154Lys]LVFGDETHSH

ClinVar aggregate classification (germline): Uncertain significance (1 of 4 stars; one submission).

Allele frequency attached by ClinVar (database versions not stated): ExAC 0.00002; gnomAD 0.00002; gnomAD exomes 0.00002; TOPMed 0.00002.
gnomAD v4.1: 32 of 1,613,950 alleles (0.002%); highest among the groups gnomAD compares: Non-Finnish European, 0.0025%; no homozygotes.

Submission:

Labcorp Genetics (formerly Invitae), Labcorp
Classification: Uncertain significance. Last evaluated: 2021-08-20. Review status: criteria provided, single submitter. Criteria: Invitae Variant Classification Sherloc (09022015). Collection method: clinical testing. Allele origin: germline.
Comment: This sequence change replaces methionine with lysine at codon 154 of the ADCY10 protein (p.Met154Lys). The methionine residue is moderately conserved and there is a moderate physicochemical difference between methionine and lysine. This variant is present in population databases (rs771448841, ExAC 0.01%). This variant has not been reported in the literature in individuals affected with ADCY10-related conditions. Algorithms developed to predict the effect of missense changes on protein structure and function output the following: SIFT: "Deleterious"; PolyPhen-2: "Benign"; Align-GVGD: "Class C0". The lysine amino acid residue is found in multiple mammalian species, which suggests that this missense change does not adversely affect protein function. In summary, the available evidence is currently insufficient to determine the role of this variant in disease. Therefore, it has been classified as a Variant of Uncertain Significance.